The following is an entry in ClinVar:

ClinVar aggregate classification (germline): Uncertain significance (1 of 4 stars; one submission).

Conditions:
CEP290-related disorder. Also called: CEP290-related disorders; CEP290-related condition. Identifiers: MedGen CN239314.

Submission:

PreventionGenetics, part of Exact Sciences
Classification: Uncertain significance for CEP290-related condition. Last evaluated: 2026-02-26. Review status: criteria provided, single submitter. Criteria: ACMG Guidelines, 2015. Collection method: clinical testing. Allele origin: germline.
Comment: The CEP290 c.5906T>C variant is predicted to result in the amino acid substitution p.Met1969Thr. To our knowledge, this variant has not been reported in the literature or in a large population database (gnomAD), indicating this variant is rare. At this time, the clinical significance of this variant is uncertain due to the absence of conclusive functional and genetic evidence.

NM_025114.4(CEP290):c.5906T>C (p.Met1969Thr)

Gene: CEP290 (centrosomal protein 290; minus strand). Cytogenetic location: 12q21.32.
Variant type: single nucleotide variant.
Coding change: c.5906T>C on transcript NM_025114.4 (MANE Select); coding-DNA position 5906, T replaced by C.
Protein change: p.Met1969Thr; replaces methionine 1969 with threonine.
Molecular consequence: missense variant.
Genome position (GRCh38, 1-based): chr12:88,071,399, A>G on the plus strand (T>C on the coding strand, the complement: CEP290 is on the minus strand). VCF-style: chr12-88071399-A-G. GRCh37 (hg19) VCF-style: chr12-88465176-A-G.
Other names: short protein forms M1969T.
Identifiers: ClinVar variation 4992406 (VCV004992406.1).
Genomic context (GRCh38, chr12:88,071,399, plus strand): 5'-AATTCTTCCAATTCTTTTTCTGACTCCAAAGCTCGTATTCCCAAAACCTGATCAACAGTC[A>G]TGCCAGTTGTTTTTAGTTTCCTCTGCAAAGTAAGTTTCTCTTTATCGGCTCTGTGGAATT-3'
Protein context (NP_079390.3, residues 1959-1979): TLQRKLKTTG[Met1969Thr]TVDQVLGIRA